The following is an entry in ClinVar:

ClinVar aggregate classification (germline): Uncertain significance (1 of 4 stars; one submission).

Submission:

GeneDx
Classification: Uncertain significance. Last evaluated: 2023-03-21. Review status: criteria provided, single submitter. Criteria: GeneDx Variant Classification Process June 2021. Collection method: clinical testing. Allele origin: germline. Affected: yes.
Comment: Not observed at significant frequency in large population cohorts (gnomAD); In silico analysis supports a deleterious effect on splicing; Has not been previously published as pathogenic or benign to our knowledge

NM_016222.4(DDX41):c.1302+6_1302+40del

Gene: DDX41 (DEAD-box helicase 41; minus strand). Cytogenetic location: 5q35.3.
Variant type: Deletion.
Coding change: c.1302+6_1302+40del on transcript NM_016222.4 (MANE Select); bases 6 to 40 of the intron after coding-DNA position 1302, 35 bases deleted.
Molecular consequence: intron variant.
Genome position (GRCh38, 1-based): chr5:177,512,971-177,513,005, 35 bases deleted; deleting any 35 consecutive bases within chr5:177,512,971-177,513,006 gives the same sequence; the c. name uses the placement nearest the transcript's 3' end. GRCh37 (hg19): chr5:176,939,973-176,940,007.
Other names: c.924+6_924+40del (NM_001321830.2, NM_001321732.2).
Identifiers: ClinVar variation 2446137 (VCV002446137.1), dbSNP rs1251759414, ClinGen allele CA564516014.